The following is an entry in ClinVar:

ClinVar aggregate classification (germline): Uncertain significance (1 of 4 stars; one submission).

Conditions:
Atrial fibrillation, familial, 18 (ATFB18). Identifiers: MedGen C4310636, MONDO:0015001, OMIM 617280.

Submission:

Labcorp Genetics (formerly Invitae), Labcorp
Classification: Uncertain significance for Atrial fibrillation, familial, 18. Last evaluated: 2022-04-03. Review status: criteria provided, single submitter. Criteria: Invitae Variant Classification Sherloc (09022015). Collection method: clinical testing. Allele origin: germline.
Comment: This sequence change falls in intron 3 of the MYL4 gene. It does not directly change the encoded amino acid sequence of the MYL4 protein. It affects a nucleotide within the consensus splice site. This variant is not present in population databases (gnomAD no frequency). This variant has not been reported in the literature in individuals affected with MYL4-related conditions. Variants that disrupt the consensus splice site are a relatively common cause of aberrant splicing (PMID: 17576681, 9536098). Algorithms developed to predict the effect of sequence changes on RNA splicing suggest that this variant may disrupt the consensus splice site. In summary, the available evidence is currently insufficient to determine the role of this variant in disease. Therefore, it has been classified as a Variant of Uncertain Significance.

Literature cited by the submitters: PubMed 17576681; PubMed 9536098.

NM_002476.2(MYL4):c.163+6T>A

Gene: MYL4 (myosin light chain 4; plus strand). Cytogenetic location: 17q21.32.
Variant type: single nucleotide variant.
Coding change: c.163+6T>A on transcript NM_002476.2 (MANE Select); 6 bases into the intron after coding-DNA position 163, T replaced by A.
Molecular consequence: intron variant.
Genome position (GRCh38, 1-based): chr17:47,213,832, T>A. VCF-style: chr17-47213832-T-A. GRCh37 (hg19) VCF-style: chr17-45291198-T-A.
Other names: c.163+6T>A (NM_001002841.2).
Identifiers: ClinVar variation 2121055 (VCV002121055.4), dbSNP rs2547593909, ClinGen allele CA400032119.
Genomic context (GRCh38, chr17:47,213,832, plus strand): 5'-CCCTCACTACTATTTCCCTCCCTACAGATAGACTTCACTGCCGACCAGATTGAAGGTGAG[T>A]ATGGACAACCCCACCTCTCCGTCTCTATTGCACTTTCCTGGAGGAGGAGGAGGAGGAGGA-3'